The following is an entry in ClinVar:

NM_007194.4(CHEK2):c.1113C>T (p.His371=)

Gene: CHEK2 (checkpoint kinase 2; minus strand). Cytogenetic location: 22q12.1.
Variant type: single nucleotide variant.
Coding change: c.1113C>T on transcript NM_007194.4 (MANE Select); coding-DNA position 1113, C replaced by T.
Protein change: p.His371=; no amino-acid change (histidine 371 retained).
Molecular consequence: synonymous variant.
Genome position (GRCh38, 1-based): chr22:28,695,856, G>A on the plus strand (C>T on the coding strand, the complement: CHEK2 is on the minus strand). VCF-style: chr22-28695856-G-A. GRCh37 (hg19) VCF-style: chr22-29091844-G-A.
Other names: c.1242C>T, p.His414= (NM_001005735.3); c.450C>T, p.His150= (NM_001257387.3); c.912C>T, p.His304= (NM_001349956.3); c.1026C>T, p.His342= (NM_145862.3).
Identifiers: ClinVar variation 231327 (VCV000231327.22), dbSNP rs876659094, ClinGen allele CA10581052.

ClinVar aggregate classification (germline): Benign/Likely benign. Review status: criteria provided, multiple submitters, no conflicts (2 of 4 stars). 7 submissions from 7 submitters: Benign (1); Likely benign (6). Last evaluated 2026-01-11.

Conditions:
Hereditary cancer-predisposing syndrome. Also called: Neoplastic Syndromes, Hereditary; Hereditary Cancer Syndrome; Tumor predisposition; Hereditary neoplastic syndrome. Identifiers: Orphanet 140162, MedGen C0027672, MeSH D009386, MONDO:0015356.
Familial cancer of breast. Also called: hereditary breast carcinoma; Hereditary breast cancer; BREAST CANCER, FAMILIAL. Identifiers: Orphanet 227535, MedGen C0346153, MONDO:0016419, OMIM 114480. Disease mechanism: loss of function.

Allele frequency attached by ClinVar (database versions not stated): gnomAD exomes below 0.00001.
gnomAD v4.1: 5 of 1,613,126 alleles (0.00031%); highest among the groups gnomAD compares: East Asian, 0.0022%; no homozygotes.

Submissions (7):

Labcorp Genetics (formerly Invitae), Labcorp
Classification: Likely benign for Familial cancer of breast. Last evaluated: 2026-01-11. Review status: criteria provided, single submitter. Criteria: Invitae Variant Classification Sherloc (09022015). Collection method: clinical testing. Allele origin: germline.

Myriad Genetics, Inc.
Classification: Benign for Familial cancer of breast. Last evaluated: 2024-10-04. Review status: criteria provided, single submitter. Criteria: Myriad Autosomal Dominant, Autosomal Recessive and X-Linked Classification Criteria (2023). Collection method: clinical testing. Allele origin: unknown.
Comment: This variant is considered benign. This variant is a silent/synonymous amino acid change and it is not expected to impact splicing.

Blueprint Genetics
Classification: Likely benign. Last evaluated: 2024-08-21. Review status: criteria provided, single submitter. Criteria: ACMG Guidelines, 2015. Collection method: clinical testing. Allele origin: germline.

Institute for Biomarker Research, Medical Diagnostic Laboratories, L.L.C.
Classification: Likely benign for Hereditary cancer-predisposing syndrome. Last evaluated: 2024-02-14. Review status: criteria provided, single submitter. Criteria: ACMG Guidelines, 2015. Collection method: clinical testing. Allele origin: germline.

GeneDx
Classification: Likely benign. Last evaluated: 2017-09-11. Review status: criteria provided, single submitter. Criteria: GeneDx Variant Classification (06012015). Collection method: clinical testing. Allele origin: germline. Affected: yes.
Comment: This variant is considered likely benign or benign based on one or more of the following criteria: it is a conservative change, it occurs at a poorly conserved position in the protein, it is predicted to be benign by multiple in silico algorithms, and/or has population frequency not consistent with disease.

Color Diagnostics, LLC DBA Color Health
Classification: Likely benign for Hereditary cancer-predisposing syndrome. Last evaluated: 2016-07-18. Review status: criteria provided, single submitter. Criteria: ACMG Guidelines, 2015. Collection method: clinical testing. Allele origin: germline.

Ambry Genetics
Classification: Likely benign for Hereditary cancer-predisposing syndrome. Last evaluated: 2015-04-16. Review status: criteria provided, single submitter. Criteria: Ambry Variant Classification Scheme 2023. Collection method: clinical testing. Allele origin: germline.